The following is an entry in ClinVar:

ClinVar aggregate classification (germline): Benign/Likely benign. Review status: criteria provided, multiple submitters, no conflicts (2 of 4 stars). 3 submissions from 3 submitters: Benign (1); Likely benign (2). Last evaluated 2025-03-26.

Conditions:
Hereditary cancer-predisposing syndrome. Also called: Tumor predisposition; Hereditary Cancer Syndrome; Neoplastic Syndromes, Hereditary; Hereditary neoplastic syndrome. Identifiers: Orphanet 140162, MedGen C0027672, MeSH D009386, MONDO:0015356.
Peutz-Jeghers syndrome (PJS). Also called: POLYPOSIS, HAMARTOMATOUS INTESTINAL; POLYPS-AND-SPOTS SYNDROME; Peutz-Jeghers polyposis; Periorificial lentiginosis syndrome. Identifiers: Orphanet 2869, MedGen C0031269, MeSH D010580, MONDO:0008280, OMIM 175200.

Submissions (3):

Myriad Genetics, Inc.
Classification: Benign for Peutz-Jeghers syndrome. Last evaluated: 2025-03-26. Review status: criteria provided, single submitter. Criteria: Myriad Autosomal Dominant, Autosomal Recessive and X-Linked Classification Criteria (2023). Collection method: clinical testing. Allele origin: unknown.
Comment: This variant is considered benign. This variant is a silent/synonymous amino acid change and it is not expected to impact splicing.

Labcorp Genetics (formerly Invitae), Labcorp
Classification: Likely benign for Peutz-Jeghers syndrome. Last evaluated: 2025-02-07. Review status: criteria provided, single submitter. Criteria: Invitae Variant Classification Sherloc (09022015). Collection method: clinical testing. Allele origin: germline.

Ambry Genetics
Classification: Likely benign for Hereditary cancer-predisposing syndrome. Last evaluated: 2021-11-04. Review status: criteria provided, single submitter. Criteria: Ambry Variant Classification Scheme 2023. Collection method: clinical testing. Allele origin: germline.

NM_000455.5(STK11):c.456G>A (p.Gln152=)

Gene: STK11 (serine/threonine kinase 11; plus strand). Cytogenetic location: 19p13.3.
Variant type: single nucleotide variant.
Coding change: c.456G>A on transcript NM_000455.5 (MANE Select); coding-DNA position 456, G replaced by A.
Protein change: p.Gln152=; no amino-acid change (glutamine 152 retained).
Molecular consequence: synonymous variant.
Genome position (GRCh38, 1-based): chr19:1,219,405, G>A. VCF-style: chr19-1219405-G-A. GRCh37 (hg19) VCF-style: chr19-1219404-G-A.
Identifiers: ClinVar variation 751422 (VCV000751422.12), dbSNP rs1599925457, ClinGen allele CA504706621.
Genomic context (GRCh38, chr19:1,219,405, plus strand): 5'-CGTGTGTGGCATGCAGGAAATGCTGGACAGCGTGCCGGAGAAGCGTTTCCCAGTGTGCCA[G>A]GCCCACGGGTGCGTGCGCGGGGCAGGGGCCAGGGTGGGGCGGGGGCCGGGGGCCAGGCAG-3'
Protein context (NP_000446.1, residues 142-162): SVPEKRFPVC[Gln152=]AHGYFCQLID